The following is an entry in ClinVar:

NM_000018.4(ACADVL):c.175_182del (p.Ala59fs)

Gene: ACADVL (acyl-CoA dehydrogenase very long chain; plus strand). Cytogenetic location: 17p13.1.
Variant type: Deletion.
Coding change: c.175_182del on transcript NM_000018.4 (MANE Select); coding-DNA positions 175 to 182, 8 bases deleted (GCTCTGAC; older notation c.175_182delGCTCTGAC).
Protein change: p.Ala59fs; shifts the reading frame from alanine 59.
Molecular consequence: frameshift variant. On other transcripts: 5 prime UTR variant (1), intron variant (1).
Genome position (GRCh38, 1-based): chr17:7,220,500-7,220,507, GCTCTGAC deleted; deleting any 8 consecutive bases within chr17:7,220,493-7,220,507 gives the same sequence; the c. name uses the placement nearest the transcript's 3' end. VCF-style (leftmost placement, unchanged base first): chr17-7220492-CCTCTGACG-C. GRCh37 (hg19) VCF-style: chr17-7123811-CCTCTGACG-C.
Other names: c.244_251del, p.Ala82fs (NM_001270447.2); c.-54_-47del (NM_001270448.2); c.139-104_139-97del (NM_001033859.3); short protein forms A59fs, A82fs.
Identifiers: ClinVar variation 2680224 (VCV002680224.5), dbSNP rs1354996048, ClinGen allele CA624861245.

ClinVar aggregate classification (germline): Pathogenic/Likely pathogenic. Review status: criteria provided, multiple submitters, no conflicts (2 of 4 stars). 3 submissions from 3 submitters: Pathogenic (1); Likely pathogenic (2). Last evaluated 2024-03-14.

Conditions:
Very long chain acyl-CoA dehydrogenase deficiency (ACADVLD). Also called: VLCAD Deficiency; Very Long-Chain Acyl-Coenzyme A Dehydrogenase Deficiency. Identifiers: Orphanet 26793, MedGen C3887523, MONDO:0008723, OMIM 201475.

Submissions (3):

Fulgent Genetics
Classification: Likely pathogenic for Very long chain acyl-CoA dehydrogenase deficiency. Last evaluated: 2024-03-14. Review status: criteria provided, single submitter. Criteria: ACMG Guidelines, 2015. Collection method: clinical testing. Allele origin: germline.

Labcorp Genetics (formerly Invitae), Labcorp
Classification: Pathogenic for Very long chain acyl-CoA dehydrogenase deficiency. Last evaluated: 2023-10-28. Review status: criteria provided, single submitter. Criteria: Invitae Variant Classification Sherloc (09022015). Collection method: clinical testing. Allele origin: germline.
Comment: This sequence change creates a premature translational stop signal (p.Ala59Glnfs*10) in the ACADVL gene. It is expected to result in an absent or disrupted protein product. Loss-of-function variants in ACADVL are known to be pathogenic (PMID: 9973285, 11590124). This variant is present in population databases (no rsID available, gnomAD 0.003%). This variant has not been reported in the literature in individuals affected with ACADVL-related conditions. For these reasons, this variant has been classified as Pathogenic.

Baylor Genetics
Classification: Likely pathogenic for Very long chain acyl-CoA dehydrogenase deficiency. Last evaluated: 2023-07-20. Review status: criteria provided, single submitter. Criteria: ACMG Guidelines, 2015. Collection method: clinical testing. Allele origin: unknown.

Literature cited by the submitters: PubMed 9973285 (cited by Labcorp Genetics (formerly Invitae), Labcorp); PubMed 11590124 (cited by Labcorp Genetics (formerly Invitae), Labcorp).